The following is an entry in ClinVar:

NM_005633.4(SOS1):c.3491C>G (p.Ala1164Gly)

Gene: SOS1 (SOS Ras/Rac guanine nucleotide exchange factor 1; minus strand). Cytogenetic location: 2p22.1.
Variant type: single nucleotide variant.
Coding change: c.3491C>G on transcript NM_005633.4 (MANE Select); coding-DNA position 3491, C replaced by G.
Protein change: p.Ala1164Gly; replaces alanine 1164 with glycine.
Molecular consequence: missense variant.
Genome position (GRCh38, 1-based): chr2:38,987,492, G>C on the plus strand (C>G on the coding strand, the complement: SOS1 is on the minus strand). VCF-style: chr2-38987492-G-C. GRCh37 (hg19) VCF-style: chr2-39214633-G-C.
Other names: c.3470C>G, p.Ala1157Gly (NM_001382394.1); c.3446C>G, p.Ala1149Gly (NM_001382395.1); short protein forms A1149G, A1157G, A1164G.
Identifiers: ClinVar variation 4810027 (VCV004810027.1).

ClinVar aggregate classification (germline): Uncertain significance (1 of 4 stars; one submission).

Conditions:
RASopathy. Also called: rasopathies; Noonan spectrum disorder. Identifiers: Orphanet 536391, MedGen C5555857, MONDO:0021060.

Submission:

Labcorp Genetics (formerly Invitae), Labcorp
Classification: Uncertain significance for RASopathy. Last evaluated: 2025-02-06. Review status: criteria provided, single submitter. Criteria: Invitae Variant Classification Sherloc (09022015). Collection method: clinical testing. Allele origin: germline.
Comment: This sequence change replaces alanine, which is neutral and non-polar, with glycine, which is neutral and non-polar, at codon 1164 of the SOS1 protein (p.Ala1164Gly). This variant is not present in population databases (gnomAD no frequency). This variant has not been reported in the literature in individuals affected with SOS1-related conditions. Invitae Evidence Modeling of protein sequence and biophysical properties (such as structural, functional, and spatial information, amino acid conservation, physicochemical variation, residue mobility, and thermodynamic stability) indicates that this missense variant is not expected to disrupt SOS1 protein function with a negative predictive value of 95%. In summary, the available evidence is currently insufficient to determine the role of this variant in disease. Therefore, it has been classified as a Variant of Uncertain Significance.